The following is an entry in ClinVar:

ClinVar aggregate classification (germline): Uncertain significance (1 of 4 stars; one submission).

Conditions:
Developmental and epileptic encephalopathy, 9 (DEE9). Also called: PCDH19-Related X-Linked Female-Limited Epilepsy with Mental Retardation; Early infantile epileptic encephalopathy 9; EPILEPSY, FEMALE-RESTRICTED, WITH MENTAL RETARDATION; JUBERG-HELLMAN SYNDROME. Identifiers: Orphanet 101039, Orphanet 2076, MedGen C1848137, MONDO:0010246, OMIM 300088. Disease mechanism: loss of function.

Submission:

Labcorp Genetics (formerly Invitae), Labcorp
Classification: Uncertain significance for Developmental and epileptic encephalopathy, 9. Last evaluated: 2022-11-15. Review status: criteria provided, single submitter. Criteria: Invitae Variant Classification Sherloc (09022015). Collection method: clinical testing. Allele origin: germline.
Comment: This sequence change replaces glutamine, which is neutral and polar, with lysine, which is basic and polar, at codon 418 of the PCDH19 protein (p.Gln418Lys). This variant is not present in population databases (gnomAD no frequency). This variant has not been reported in the literature in individuals affected with PCDH19-related conditions. Advanced modeling of protein sequence and biophysical properties (such as structural, functional, and spatial information, amino acid conservation, physicochemical variation, residue mobility, and thermodynamic stability) performed at Invitae indicates that this missense variant is not expected to disrupt PCDH19 protein function. In summary, the available evidence is currently insufficient to determine the role of this variant in disease. Therefore, it has been classified as a Variant of Uncertain Significance.

NM_001184880.2(PCDH19):c.1252C>A (p.Gln418Lys)

Gene: PCDH19 (protocadherin 19; minus strand). Cytogenetic location: Xq22.1.
Variant type: single nucleotide variant.
Coding change: c.1252C>A on transcript NM_001184880.2 (MANE Select); coding-DNA position 1252, C replaced by A.
Protein change: p.Gln418Lys; replaces glutamine 418 with lysine.
Molecular consequence: missense variant.
Genome position (GRCh38, 1-based): chrX:100,407,346, G>T on the plus strand (C>A on the coding strand, the complement: PCDH19 is on the minus strand). VCF-style: chrX-100407346-G-T. GRCh37 (hg19) VCF-style: chrX-99662344-G-T.
Other names: c.1252C>A, p.Gln418Lys (NM_001105243.2, NM_020766.3); short protein forms Q418K.
Identifiers: ClinVar variation 1997816 (VCV001997816.4), dbSNP rs2520984330, ClinGen allele CA414003424.